The following is an entry in ClinVar:

NM_006612.6(KIF1C):c.2740C>T (p.Pro914Ser)

Gene: KIF1C (kinesin family member 1C; plus strand). Cytogenetic location: 17p13.2.
Variant type: single nucleotide variant.
Coding change: c.2740C>T on transcript NM_006612.6 (MANE Select); coding-DNA position 2740, C replaced by T.
Protein change: p.Pro914Ser; replaces proline 914 with serine.
Molecular consequence: missense variant.
Genome position (GRCh38, 1-based): chr17:5,023,579, C>T. VCF-style: chr17-5023579-C-T. GRCh37 (hg19) VCF-style: chr17-4926874-C-T.
Other names: c.2740C>T (NM_006612.5); short protein forms P914S.
Identifiers: ClinVar variation 1507226 (VCV001507226.7), dbSNP rs2143392621, ClinGen allele CA397317338.

ClinVar aggregate classification (germline): Uncertain significance. Review status: criteria provided, multiple submitters, no conflicts (2 of 4 stars). 2 submissions from 2 submitters: Uncertain significance (2). Last evaluated 2025-12-02.

Conditions:
Spastic ataxia 2. Also called: Ataxia, spastic, 2, autosomal recessive. Identifiers: Orphanet 397946, MedGen C1969796, MONDO:0012651, OMIM 611302.
Inborn genetic diseases. Identifiers: MedGen C0950123, MeSH D030342.

Submissions (2):

Ambry Genetics
Classification: Uncertain significance for Inborn genetic diseases. Last evaluated: 2025-12-02. Review status: criteria provided, single submitter. Criteria: Ambry Variant Classification Scheme 2023. Collection method: clinical testing. Allele origin: germline.

Labcorp Genetics (formerly Invitae), Labcorp
Classification: Uncertain significance for Spastic ataxia 2. Last evaluated: 2023-12-22. Review status: criteria provided, single submitter. Criteria: Invitae Variant Classification Sherloc (09022015). Collection method: clinical testing. Allele origin: germline.
Comment: This sequence change replaces proline, which is neutral and non-polar, with serine, which is neutral and polar, at codon 914 of the KIF1C protein (p.Pro914Ser). This variant is not present in population databases (gnomAD no frequency). This variant has not been reported in the literature in individuals affected with KIF1C-related conditions. ClinVar contains an entry for this variant (Variation ID: 1507226). Algorithms developed to predict the effect of missense changes on protein structure and function output the following: SIFT: "Not Available"; PolyPhen-2: "Benign"; Align-GVGD: "Not Available". The serine amino acid residue is found in multiple mammalian species, which suggests that this missense change does not adversely affect protein function. In summary, the available evidence is currently insufficient to determine the role of this variant in disease. Therefore, it has been classified as a Variant of Uncertain Significance.